The following is an entry in ClinVar:

NM_172107.4(KCNQ2):c.817-20T>C

Gene: KCNQ2 (potassium voltage-gated channel subfamily Q member 2; minus strand). Cytogenetic location: 20q13.33.
Variant type: single nucleotide variant.
Coding change: c.817-20T>C on transcript NM_172107.4 (MANE Select); 20 bases into the intron before coding-DNA position 817, T replaced by C.
Molecular consequence: intron variant.
Genome position (GRCh38, 1-based): chr20:63,439,728, A>G on the plus strand (T>C on the coding strand, the complement: KCNQ2 is on the minus strand). VCF-style: chr20-63439728-A-G. GRCh37 (hg19) VCF-style: chr20-62071081-A-G.
Other names: c.817-20T>C (NM_004518.6, NM_172108.5, NM_172106.3 and 1 more transcripts).
Identifiers: ClinVar variation 514462 (VCV000514462.1), dbSNP rs937599567, ClinGen allele CA317456498.

ClinVar aggregate classification (germline): Likely benign (1 of 4 stars; one submission).

Allele frequency attached by ClinVar (database versions not stated): TOPMed below 0.00001.

Submission:

GeneDx
Classification: Likely benign. Last evaluated: 2018-01-02. Review status: criteria provided, single submitter. Criteria: GeneDx Variant Classification (06012015). Collection method: clinical testing. Allele origin: germline. Affected: yes.
Comment: This variant is considered likely benign or benign based on one or more of the following criteria: it is a conservative change, it occurs at a poorly conserved position in the protein, it is predicted to be benign by multiple in silico algorithms, and/or has population frequency not consistent with disease.